The following is an entry in ClinVar:

NM_001283009.2(RTEL1):c.3116C>G (p.Pro1039Arg)

Genes: RTEL1 (regulator of telomere elongation helicase 1; plus strand), RTEL1-TNFRSF6B (RTEL1-TNFRSF6B readthrough (NMD candidate); plus strand). Cytogenetic location: 20q13.33.
Variant type: single nucleotide variant.
Coding change: c.3116C>G on transcript NM_001283009.2 (MANE Select); coding-DNA position 3116, C replaced by G.
Protein change: p.Pro1039Arg; replaces proline 1039 with arginine.
Molecular consequence: missense variant. On other transcripts: non-coding transcript variant (1).
Genome position (GRCh38, 1-based): chr20:63,694,747, C>G. VCF-style: chr20-63694747-C-G. GRCh37 (hg19) VCF-style: chr20-62326100-C-G.
Other names: c.2447C>G, p.Pro816Arg (NM_001283010.1); c.3116C>G, p.Pro1039Arg (NM_016434.4); c.3188C>G, p.Pro1063Arg (NM_032957.5); short protein forms P816R, P1039R, P1063R.
Identifiers: ClinVar variation 2931258 (VCV002931258.4), dbSNP rs772175599, ClinGen allele CA409684781.

ClinVar aggregate classification (germline): Uncertain significance. Review status: criteria provided, multiple submitters, no conflicts (2 of 4 stars). 2 submissions from 2 submitters: Uncertain significance (2). Last evaluated 2025-01-03.

Conditions:
Inborn genetic diseases. Identifiers: MedGen C0950123, MeSH D030342.
Dyskeratosis congenita, autosomal recessive 5 (DKCB5). Identifiers: MedGen C3554656, MONDO:0014076, OMIM 615190.
Pulmonary fibrosis and/or bone marrow failure, Telomere-related, 3. Also called: PULMONARY FIBROSIS AND/OR BONE MARROW FAILURE SYNDROME, TELOMERE-RELATED, 3. Identifiers: Orphanet 2032, MedGen C4225346, MONDO:0014613, OMIM 616373.

gnomAD v4.1: 11 of 1,603,158 alleles (0.00069%); highest among the groups gnomAD compares: Non-Finnish European, 0.00094%; no homozygotes.

Submissions (2):

Ambry Genetics
Classification: Uncertain significance for Inborn genetic diseases. Last evaluated: 2025-01-03. Review status: criteria provided, single submitter. Criteria: Ambry Variant Classification Scheme 2023. Collection method: clinical testing. Allele origin: germline.
Comment: The p.P1039R variant (also known as c.3116C>G), located in coding exon 31 of the RTEL1 gene, results from a C to G substitution at nucleotide position 3116. The proline at codon 1039 is replaced by arginine, an amino acid with dissimilar properties. This amino acid position is conserved. In addition, this alteration is predicted to be tolerated by in silico analysis. Based on the available evidence, the clinical significance of this variant remains unclear.

Labcorp Genetics (formerly Invitae), Labcorp
Classification: Uncertain significance for Dyskeratosis congenita, autosomal recessive 5; Pulmonary fibrosis and/or bone marrow failure, Telomere-related, 3. Last evaluated: 2024-12-13. Review status: criteria provided, single submitter. Criteria: Invitae Variant Classification Sherloc (09022015). Collection method: clinical testing. Allele origin: germline.
Comment: This sequence change replaces proline, which is neutral and non-polar, with arginine, which is basic and polar, at codon 1039 of the RTEL1 protein (p.Pro1039Arg). This variant is present in population databases (no rsID available, gnomAD 0.0009%). This variant has not been reported in the literature in individuals affected with RTEL1-related conditions. ClinVar contains an entry for this variant (Variation ID: 2931258). An algorithm developed to predict the effect of missense changes on protein structure and function (PolyPhen-2) suggests that this variant is likely to be tolerated. In summary, the available evidence is currently insufficient to determine the role of this variant in disease. Therefore, it has been classified as a Variant of Uncertain Significance.